The following is an entry in ClinVar:

ClinVar aggregate classification (germline): Uncertain significance (1 of 4 stars; one submission).

Conditions:
Epidermodysplasia verruciformis. Identifiers: Orphanet 302, MedGen C0014522, MONDO:0009176.

Allele frequency attached by ClinVar (database versions not stated): gnomAD 0.00001 and 0.00002; gnomAD exomes 0.00001; TOPMed 0.00002.
gnomAD v4.1: 21 of 1,558,198 alleles (0.0013%); highest among the groups gnomAD compares: Non-Finnish European, 0.0017%; no homozygotes.

Submission:

Labcorp Genetics (formerly Invitae), Labcorp
Classification: Uncertain significance for Epidermodysplasia verruciformis. Last evaluated: 2023-08-10. Review status: criteria provided, single submitter. Criteria: Invitae Variant Classification Sherloc (09022015). Collection method: clinical testing. Allele origin: germline.
Comment: ClinVar contains an entry for this variant (Variation ID: 649225). This sequence change replaces alanine with valine at codon 797 of the TMC6 protein (p.Ala797Val). The alanine residue is weakly conserved and there is a small physicochemical difference between alanine and valine. The frequency data for this variant in the population databases is considered unreliable, as metrics indicate poor data quality at this position in the gnomAD database. This variant has not been reported in the literature in individuals affected with TMC6-related conditions. An algorithm developed to predict the effect of missense changes on protein structure and function (PolyPhen-2) suggests that this variant is likely to be tolerated. In summary, the available evidence is currently insufficient to determine the role of this variant in disease. Therefore, it has been classified as a Variant of Uncertain Significance.

NM_001127198.5(TMC6):c.2390C>T (p.Ala797Val)

Gene: TMC6 (transmembrane channel like 6; minus strand). Cytogenetic location: 17q25.3.
Variant type: single nucleotide variant.
Coding change: c.2390C>T on transcript NM_001127198.5 (MANE Select); coding-DNA position 2390, C replaced by T.
Protein change: p.Ala797Val; replaces alanine 797 with valine.
Molecular consequence: missense variant. On other transcripts: non-coding transcript variant (4).
Genome position (GRCh38, 1-based): chr17:78,113,176, G>A on the plus strand (C>T on the coding strand, the complement: TMC6 is on the minus strand). VCF-style: chr17-78113176-G-A. GRCh37 (hg19) VCF-style: chr17-76109257-G-A.
Other names: c.2390C>T, p.Ala797Val (NM_001321185.1, NM_001374596.1, NM_001375353.1 and 2 more transcripts); c.2210C>T, p.Ala737Val (NM_001374593.1, NM_001374594.1); short protein forms A797V, A737V.
Identifiers: ClinVar variation 649225 (VCV000649225.8), dbSNP rs907354650, ClinGen allele CA294331106.